The following is an entry in ClinVar:

ClinVar aggregate classification (germline): Uncertain significance (1 of 4 stars; one submission).

Allele frequency attached by ClinVar (database versions not stated): TOPMed below 0.00001; gnomAD 0.00001.

Submission:

Labcorp Genetics (formerly Invitae), Labcorp
Classification: Uncertain significance. Last evaluated: 2023-09-10. Review status: criteria provided, single submitter. Criteria: Invitae Variant Classification Sherloc (09022015). Collection method: clinical testing. Allele origin: germline.
Comment: In summary, the available evidence is currently insufficient to determine the role of this variant in disease. Therefore, it has been classified as a Variant of Uncertain Significance. Experimental studies and prediction algorithms are not available or were not evaluated, and the functional significance of this variant is currently unknown. This variant has not been reported in the literature in individuals affected with COL9A3-related conditions. This variant is not present in population databases (gnomAD no frequency). This sequence change replaces proline, which is neutral and non-polar, with leucine, which is neutral and non-polar, at codon 159 of the COL9A3 protein (p.Pro159Leu).

NM_001853.4(COL9A3):c.476C>T (p.Pro159Leu)

Gene: COL9A3 (collagen type IX alpha 3 chain; plus strand). Cytogenetic location: 20q13.33.
Variant type: single nucleotide variant.
Coding change: c.476C>T on transcript NM_001853.4 (MANE Select); coding-DNA position 476, C replaced by T.
Protein change: p.Pro159Leu; replaces proline 159 with leucine.
Molecular consequence: missense variant.
Genome position (GRCh38, 1-based): chr20:62,822,163, C>T. VCF-style: chr20-62822163-C-T. GRCh37 (hg19) VCF-style: chr20-61453515-C-T.
Other names: short protein forms P159L.
Identifiers: ClinVar variation 2806670 (VCV002806670.3), dbSNP rs769879690, ClinGen allele CA409589445.